The following is an entry in ClinVar:

ClinVar aggregate classification (germline): Pathogenic. Review status: criteria provided, multiple submitters, no conflicts (2 of 4 stars). 2 submissions from 2 submitters: Pathogenic (2). Last evaluated 2023-06-27.

Conditions:
Immunodeficiency 67. Also called: Immunodeficiency due to interleukin-1 receptor-associated kinase-4 deficiency. Identifiers: Orphanet 70592, MedGen C1843256, MONDO:0011888, OMIM 607676.

Submissions (2):

Labcorp Genetics (formerly Invitae), Labcorp
Classification: Pathogenic for Immunodeficiency 67. Last evaluated: 2023-06-27. Review status: criteria provided, single submitter. Criteria: Invitae Variant Classification Sherloc (09022015). Collection method: clinical testing. Allele origin: germline.
Comment: For these reasons, this variant has been classified as Pathogenic. ClinVar contains an entry for this variant (Variation ID: 1012217). This variant has not been reported in the literature in individuals affected with IRAK4-related conditions. This variant is not present in population databases (gnomAD no frequency). This sequence change creates a premature translational stop signal (p.Gln122*) in the IRAK4 gene. It is expected to result in an absent or disrupted protein product. Loss-of-function variants in IRAK4 are known to be pathogenic (PMID: 17893200, 21057262).

Undiagnosed Diseases Network, NIH
Classification: Pathogenic for Immunodeficiency 67. Last evaluated: 2020-11-25. Review status: criteria provided, single submitter. Criteria: ACMG Guidelines, 2015. Collection method: clinical testing. Allele origin: unknown. Inheritance: Autosomal recessive inheritance. Affected: yes. Observed: 1 variant allele, 1 compound heterozygote. Study: Undiagnosed Diseases Network (NIH), UDN.

Literature cited by the submitters: PubMed 17893200 (cited by Labcorp Genetics (formerly Invitae), Labcorp); PubMed 21057262 (cited by Labcorp Genetics (formerly Invitae), Labcorp).

NM_016123.4(IRAK4):c.364C>T (p.Gln122Ter)

Gene: IRAK4 (interleukin 1 receptor associated kinase 4; plus strand). Cytogenetic location: 12q12.
Variant type: single nucleotide variant.
Coding change: c.364C>T on transcript NM_016123.4 (MANE Select); coding-DNA position 364, C replaced by T.
Protein change: p.Gln122Ter; replaces glutamine 122 with a stop codon.
Molecular consequence: nonsense. On other transcripts: 5 prime UTR variant (10).
Genome position (GRCh38, 1-based): chr12:43,772,236, C>T. VCF-style: chr12-43772236-C-T. GRCh37 (hg19) VCF-style: chr12-44166039-C-T.
Other names: c.364C>T, p.Gln122Ter (NM_001114182.3, NM_001351345.2); c.-9C>T (NM_001145256.2, NM_001145257.2, NM_001145258.2 and 5 more transcripts); c.-160C>T (NM_001351343.2, NM_001351344.2); short protein forms Q122*.
Identifiers: ClinVar variation 1012217 (VCV001012217.8), dbSNP rs1416395914, ClinGen allele CA384468913.